The following is an entry in ClinVar:

NM_001142800.2(EYS):c.5519G>A (p.Trp1840Ter)

Gene: EYS (EGF-like photoreceptor maintenance factor; minus strand). Cytogenetic location: 6q12.
Variant type: single nucleotide variant.
Coding change: c.5519G>A on transcript NM_001142800.2 (MANE Select); coding-DNA position 5519, G replaced by A.
Protein change: p.Trp1840Ter; replaces tryptophan 1840 with a stop codon.
Molecular consequence: nonsense.
Genome position (GRCh38, 1-based): chr6:64,590,348, C>T on the plus strand (G>A on the coding strand, the complement: EYS is on the minus strand). VCF-style: chr6-64590348-C-T. GRCh37 (hg19) VCF-style: chr6-65300241-C-T.
Other names: c.5519G>A, p.Trp1840Ter (NM_001292009.2); short protein forms W1840*.
Identifiers: ClinVar variation 5014696 (VCV005014696.1).

ClinVar aggregate classification (germline): Pathogenic (1 of 4 stars; one submission).

Conditions:
Retinitis pigmentosa 25 (RP25). Identifiers: Orphanet 791, MedGen C1864446, MONDO:0011272, OMIM 602772.

gnomAD v4.1: 4 of 1,551,230 alleles (0.00026%); highest among the groups gnomAD compares: Non-Finnish European, 0.00035%; no homozygotes.

Submission:

Myriad Genetics, Inc.
Classification: Pathogenic for Retinitis pigmentosa 25. Last evaluated: 2024-05-14. Review status: criteria provided, single submitter. Criteria: Myriad Autosomal Dominant, Autosomal Recessive and X-Linked Classification Criteria (2023). Collection method: clinical testing. Allele origin: unknown.
Comment: NM_001142800.1(EYS):c.5519G>A(W1840*) is expected to be pathogenic in the context of retinitis pigmentosa, EYS-related. This variant is predicted to lead to an abnormal or absent protein product due to the creation of a premature termination codon in EYS, a gene where loss-of-function variants are known to be pathogenic. Please note: this variant was assessed in the context of healthy population screening.